The following is an entry in ClinVar:

ClinVar aggregate classification (germline): Conflicting classifications of pathogenicity. Review status: criteria provided, conflicting classifications (1 of 4 stars). 2 submissions from 2 submitters: Uncertain significance (1); Benign (1). Last evaluated 2025-10-21.

Conditions:
Kabuki syndrome. Also called: NIIKAWA-KUROKI SYNDROME; Kabuki make-up syndrome. Identifiers: Orphanet 2322, MedGen C0796004, MONDO:0016512.
Inborn genetic diseases. Identifiers: MedGen C0950123, MeSH D030342.

Allele frequency attached by ClinVar (database versions not stated): TOPMed below 0.00001; gnomAD 0.00001; gnomAD exomes 0.00001.
gnomAD v4.1: 5 of 1,613,884 alleles (0.00031%); highest among the groups gnomAD compares: African/African-American, 0.0013%; no homozygotes.

Submissions (2):

Ambry Genetics
Classification: Uncertain significance for Inborn genetic diseases. Last evaluated: 2025-10-21. Review status: criteria provided, single submitter. Criteria: Ambry Variant Classification Scheme 2023. Collection method: clinical testing. Allele origin: germline.
Comment: The c.5219C>T (p.A1740V) alteration is located in exon 22 (coding exon 22) of the KMT2D gene. This alteration results from a C to T substitution at nucleotide position 5219, causing the alanine (A) at amino acid position 1740 to be replaced by a valine (V). Based on data from gnomAD, the T allele has an overall frequency of <0.001% (1/249252) total alleles studied. The highest observed frequency was 0.007% (1/15490) of African alleles. Based on insufficient or conflicting evidence, the clinical significance of this alteration remains unclear.

Labcorp Genetics (formerly Invitae), Labcorp
Classification: Benign for Kabuki syndrome. Last evaluated: 2023-07-13. Review status: criteria provided, single submitter. Criteria: Invitae Variant Classification Sherloc (09022015). Collection method: clinical testing. Allele origin: germline.

NM_003482.4(KMT2D):c.5219C>T (p.Ala1740Val)

Gene: KMT2D (lysine methyltransferase 2D; minus strand). Cytogenetic location: 12q13.12.
Variant type: single nucleotide variant.
Coding change: c.5219C>T on transcript NM_003482.4 (MANE Select); coding-DNA position 5219, C replaced by T.
Protein change: p.Ala1740Val; replaces alanine 1740 with valine.
Molecular consequence: missense variant.
Genome position (GRCh38, 1-based): chr12:49,043,968, G>A on the plus strand (C>T on the coding strand, the complement: KMT2D is on the minus strand). VCF-style: chr12-49043968-G-A. GRCh37 (hg19) VCF-style: chr12-49437751-G-A.
Other names: short protein forms A1740V.
Identifiers: ClinVar variation 2885549 (VCV002885549.4), dbSNP rs1280192131, ClinGen allele CA384635342.